The following is an entry in ClinVar:

ClinVar aggregate classification (germline): Pathogenic/Likely pathogenic. Review status: criteria provided, multiple submitters, no conflicts (2 of 4 stars). 26 submissions from 21 submitters: Pathogenic (15); Likely pathogenic (8). 3 of the submissions do not count toward it. Last evaluated 2025-06-09.

Conditions:
Episodic ataxia type 2 (EA2). Also called: ATAXIA, FAMILIAL PAROXYSMAL; CEREBELLAR ATAXIA, PAROXYSMAL, ACETAZOLAMIDE-RESPONSIVE; CEREBELLOPATHY, HEREDITARY PAROXYSMAL; EPISODIC ATAXIA, NYSTAGMUS-ASSOCIATED; ACETAZOLAMIDE-RESPONSIVE HEREDITARY PAROXYSMAL CEREBELLAR ATAXIA; ATAXIA, EPISODIC, WITH NYSTAGMUS. Identifiers: Orphanet 97, MedGen C1720416, MONDO:0007163, OMIM 108500.
Developmental and epileptic encephalopathy, 42 (DEE42A). Also called: Epileptic encephalopathy, early infantile, 42; DEVELOPMENTAL AND EPILEPTIC ENCEPHALOPATHY 42A; EPILEPTIC ENCEPHALOPATHY, EARLY INFANTILE, 42A. Identifiers: MedGen C4310716, MONDO:0014917, OMIM 617106.
Migraine, familial hemiplegic, 1. Also called: MIGRAINE, FAMILIAL HEMIPLEGIC 1, WITH PROGRESSIVE CEREBELLAR ATAXIA. Identifiers: Orphanet 569, MedGen C1832884, MONDO:0020756, OMIM 141500, MONDO:0007714.
Spinocerebellar ataxia type 6 (SCA6). Identifiers: Orphanet 98758, MedGen C0752124, MONDO:0008457, OMIM 183086.
CACNA1A-related disorder. Also called: CACNA1A-related condition.
Developmental and epileptic encephalopathy, 52 (DEE52). Also called: Epileptic encephalopathy, early infantile, 52. Identifiers: MedGen C4479236, MONDO:0033361, OMIM 617350.
Inborn genetic diseases. Identifiers: MedGen C0950123, MeSH D030342.
Migraine. Also called: Migraine disorder. Identifiers: MedGen C0149931, MONDO:0005277, HP:0002076.
Epileptic encephalopathy. Identifiers: MedGen C0543888, HP:0200134.

Submissions 1 to 11 of 26:

Labcorp Genetics (formerly Invitae), Labcorp
Classification: Pathogenic for Developmental and epileptic encephalopathy, 42; Episodic ataxia type 2. Last evaluated: 2025-06-09. Review status: criteria provided, single submitter. Criteria: Invitae Variant Classification Sherloc (09022015). Collection method: clinical testing. Allele origin: germline.
Comment: This sequence change replaces valine, which is neutral and non-polar, with methionine, which is neutral and non-polar, at codon 1393 of the CACNA1A protein (p.Val1393Met). This variant is not present in population databases (gnomAD no frequency). This missense change has been observed in individual(s) with epileptic encephalopathy and ataxia, tremor, developmental delay, and epilepsy (PMID: 28007337, 29056246, 29100083, 30283815). In at least one individual the variant was observed to be de novo. This variant is also known as NM_023035.2:c.4186G>A (p.V1396M). ClinVar contains an entry for this variant (Variation ID: 195935). Invitae Evidence Modeling of protein sequence and biophysical properties (such as structural, functional, and spatial information, amino acid conservation, physicochemical variation, residue mobility, and thermodynamic stability) indicates that this missense variant is expected to disrupt CACNA1A protein function with a positive predictive value of 95%. Experimental studies have shown that this missense change affects CACNA1A function (PMID: 31468518). For these reasons, this variant has been classified as Pathogenic.

Institute of Immunology and Genetics Kaiserslautern
Classification: Pathogenic for Developmental and epileptic encephalopathy, 42; Episodic ataxia type 2; Spinocerebellar ataxia type 6; Migraine, familial hemiplegic, 1. Last evaluated: 2025-06-03. Review status: criteria provided, single submitter. Criteria: ACMG Guidelines, 2015. Collection method: clinical testing. Allele origin: de novo. Affected: yes.
Comment: ACMG Criteria: PS2, PS3, PM1, PM2_P, PM5, PP3, PP5; Variant was found in heterozygous state. De novo-status was confirmed via in-house segregation analysis.

3billion
Classification: Pathogenic for CACNA1A-related disorder. Last evaluated: 2024-11-15. Review status: criteria provided, single submitter. Criteria: ACMG Guidelines, 2015. Collection method: clinical testing. Allele origin: germline. Affected: yes.
Comment: The variant is not observed in the gnomAD v4.1.0 dataset. Predicted Consequence/Location: Missense variant In silico tool predictions suggest damaging effect of the variant on gene or gene product [REVEL: 0.89 (>=0.6, sensitivity 0.68 and specificity 0.92); 3Cnet: 0.94 (>=0.6, sensitivity 0.72 and precision 0.9)]. The same nucleotide change resulting in the same amino acid change has been previously reported as pathogenic/likely pathogenic with strong evidence (ClinVar ID: VCV000195935 /PMID: 28007337 /3billion dataset). The variant has been previously reported as de novo in at least two similarly affected unrelated individuals (PMID: 28007337, 29100083). Different missense changes at the same codon (p.Val1392Ala, p.Val1392Leu) have been reported as pathogenic/likely pathogenic with strong evidence (ClinVar ID: VCV000280773, VCV001285568, VCV001522436 /PMID: 36305856, 36403551). Therefore, this variant is classified as Pathogenic according to the recommendation of ACMG/AMP guideline.

Revvity Omics, Revvity
Classification: Pathogenic. Last evaluated: 2023-09-20. Review status: criteria provided, single submitter. Criteria: ACMG Guidelines, 2015. Collection method: clinical testing. Allele origin: germline.

Neuberg Centre For Genomic Medicine, NCGM
Classification: Pathogenic for Developmental and epileptic encephalopathy, 42. Last evaluated: 2023-06-22. Review status: criteria provided, single submitter. Criteria: ACMG Guidelines, 2015. Collection method: clinical testing. Allele origin: germline. Inheritance: Autosomal dominant inheritance. Affected: yes.
Comment: The observed missense variant c.4174G>A(p.Val1392Met) in CACNA1A gene has been reported previously in heterozygous state in multiple individuals with epileptic encephalopathy and ataxia, tremor, developmental delay, and epilepsy (Costain G, et al., 2019, Balciuniene J, et al., 2019). Experimental studies have shown that this missense change affects CACNA1A function (Jiang X, et al., 2019). This variant is absent in gnomAD Exomes. It has been submitted to ClinVar as Likely Pathogenic/ Pathogenic (multiple submissions). The amino acid Val at position 1392 is changed to a Met changing protein sequence and it might alter its composition and physico-chemical properties. Multiple lines of computational evidence (SIFT-damaging and MutationTaster-disease causing) predict a damaging effect on protein structure and function for this variant. The reference amino acid p.Val1392Met in CACNA1A is predicted as conserved by GERP++ and PhyloP across 100 vertebrates. For these reasons, this variant has been classified as Pathogenic.

Institute of Human Genetics, University of Leipzig Medical Center
Classification: Pathogenic for Developmental and epileptic encephalopathy, 42. Last evaluated: 2022-07-20. Review status: criteria provided, single submitter. Criteria: ACMG Guidelines, 2015. Collection method: clinical testing. Allele origin: unknown. Affected: yes.
Comment: This variant was identified as de novo (maternity and paternity confirmed)._x000D_ Criteria applied: PS2_VSTR, PS4, PM5_STR, PS3_MOD, PM2_SUP, PP2, PP3

Wendy Chung Laboratory, Boston Children's Hospital
Classification: Pathogenic for Developmental and epileptic encephalopathy, 52; Episodic ataxia type 2; Migraine, familial hemiplegic, 1; Spinocerebellar ataxia type 6. Last evaluated: 2022-03-20. Review status: criteria provided, single submitter. Criteria: ACMG Guidelines, 2015. Collection method: clinical testing. Allele origin: de novo. Affected: yes.

GeneDx
Classification: Pathogenic. Last evaluated: 2022-01-25. Review status: criteria provided, single submitter. Criteria: GeneDx Variant Classification Process June 2021. Collection method: clinical testing. Allele origin: germline. Affected: yes.
Comment: Not observed in large population cohorts (gnomAD); In silico analysis, which includes protein predictors and evolutionary conservation, supports a deleterious effect; This variant is associated with the following publications: (PMID: 29056246, 27959697, 28007337, 30283815, 31487502, 31468518, 29100083, 34489640, 33258288, 33425808, 34102571)

Pediatrics, MediClubGeorgia
Classification: Pathogenic for Episodic ataxia type 2. Last evaluated: 2021-04-25. Review status: criteria provided, single submitter. Criteria: ACMG Guidelines, 2015. Collection method: clinical testing. Allele origin: de novo. Inheritance: Autosomal dominant inheritance. Affected: yes. Observed: 1 variant allele, 1 heterozygote.
Comment: This variant has previously been described as disease causing for Ataxia, ClinVar lists this variant as pathogenic (Variation ID: 195935) and uncertain (Variation ID: 195935) and likely pathogenic (ID: 195935). This variant is absent parents. PolyPhen: Probably damaging ; Align-GVGD: C0; MutationTaster: Disease causing Conservation_nt: high; Conservation_aa: weak; This variant is absent in population databases.

Unidad de Genómica Garrahan, Hospital de Pediatría Garrahan
Classification: Likely pathogenic for Epileptic encephalopathy. Last evaluated: 2021-01-01. Review status: criteria provided, single submitter. Criteria: ACMG Guidelines, 2015. Collection method: clinical testing. Allele origin: germline. Affected: yes. Observed: 1 variant allele.
Comment: ACMG/AMP criteria applied: PM1, PM2, PM5, PP2, PP3.

Blueprint Genetics
Classification: Pathogenic for CACNA1A-related disorders. Last evaluated: 2020-06-12. Review status: criteria provided, single submitter. Criteria: ACMG Guidelines, 2015. Collection method: clinical testing. Allele origin: germline. Affected: yes. Observed: 2 variant alleles.

NM_001127222.2(CACNA1A):c.4174G>A (p.Val1392Met)

Genes: CACNA1A (calcium voltage-gated channel subunit alpha1 A; minus strand), LOC126862864 (MED14-independent group 3 enhancer GRCh37_chr19:13371552-13372751; plus strand). Cytogenetic location: 19p13.13.
Variant type: single nucleotide variant.
Coding change: c.4174G>A on transcript NM_001127222.2 (MANE Select); coding-DNA position 4174, G replaced by A.
Protein change: p.Val1392Met; replaces valine 1392 with methionine.
Molecular consequence: missense variant.
Genome position (GRCh38, 1-based): chr19:13,261,526, C>T on the plus strand (G>A on the coding strand, the complement: CACNA1A is on the minus strand). VCF-style: chr19-13261526-C-T. GRCh37 (hg19) VCF-style: chr19-13372340-C-T.
Other names: NP_001120694.1:p.(Val1392Met); c.4186G>A, p.Val1396Met (NM_000068.4, NM_023035.3); c.4177G>A, p.Val1393Met (NM_001127221.2, NM_001174080.2); short protein forms V1393M, V1392M, V1396M.
Identifiers: ClinVar variation 195935 (VCV000195935.45), dbSNP rs794727411, ClinGen allele CA242642.